The following is an entry in ClinVar:

NM_020975.6(RET):c.907G>C (p.Val303Leu)

Gene: RET (ret proto-oncogene; plus strand). Cytogenetic location: 10q11.21.
Variant type: single nucleotide variant.
Coding change: c.907G>C on transcript NM_020975.6 (MANE Select); coding-DNA position 907, G replaced by C.
Protein change: p.Val303Leu; replaces valine 303 with leucine.
Molecular consequence: missense variant. On other transcripts: intron variant (25).
Genome position (GRCh38, 1-based): chr10:43,106,415, G>C. VCF-style: chr10-43106415-G-C. GRCh37 (hg19) VCF-style: chr10-43601863-G-C.
Other names: c.907G>C, p.Val303Leu (NM_000323.2, NM_001406743.1, NM_001406744.1 and 6 more transcripts); c.145G>C, p.Val49Leu (NM_001355216.2); c.778G>C, p.Val260Leu (NM_001406761.1, NM_001406762.1, NM_001406764.1 and 1 more transcripts); c.619G>C, p.Val207Leu (NM_001406766.1, NM_001406767.1, NM_001406770.1); c.738+1222G>C (NM_001406774.1); c.496+3786G>C (NM_001406786.1, NM_001406783.1); c.338-2616G>C (NM_001406778.1, NM_001406775.1, NM_001406776.1 and 1 more transcripts); c.338-5684G>C (NM_001406790.1, NM_001406788.1, NM_001406789.1 and 1 more transcripts); and 5 more; short protein forms V303L, V207L, V260L, V49L.
Identifiers: ClinVar variation 2761196 (VCV002761196.3), dbSNP rs1588867164, ClinGen allele CA376545842.

ClinVar aggregate classification (germline): Uncertain significance (1 of 4 stars; one submission).

Conditions:
Multiple endocrine neoplasia, type 2 (MEN2). Identifiers: Orphanet 653, MedGen C4048306, MONDO:0019003. Disease mechanism: gain of function.

Submission:

Labcorp Genetics (formerly Invitae), Labcorp
Classification: Uncertain significance for Multiple endocrine neoplasia, type 2. Last evaluated: 2024-03-01. Review status: criteria provided, single submitter. Criteria: Invitae Variant Classification Sherloc (09022015). Collection method: clinical testing. Allele origin: germline.
Comment: This sequence change replaces valine, which is neutral and non-polar, with leucine, which is neutral and non-polar, at codon 303 of the RET protein (p.Val303Leu). This variant is not present in population databases (gnomAD no frequency). This variant has not been reported in the literature in individuals affected with RET-related conditions. An algorithm developed to predict the effect of missense changes on protein structure and function (PolyPhen-2) suggests that this variant is likely to be tolerated. In summary, the available evidence is currently insufficient to determine the role of this variant in disease. Therefore, it has been classified as a Variant of Uncertain Significance.